The following is an entry in ClinVar:

NM_000448.3(RAG1):c.1573C>T (p.Pro525Ser)

Gene: RAG1 (recombination activating 1; plus strand). Cytogenetic location: 11p12.
Variant type: single nucleotide variant.
Coding change: c.1573C>T on transcript NM_000448.3 (MANE Select); coding-DNA position 1573, C replaced by T.
Protein change: p.Pro525Ser; replaces proline 525 with serine.
Molecular consequence: missense variant.
Genome position (GRCh38, 1-based): chr11:36,574,877, C>T. VCF-style: chr11-36574877-C-T. GRCh37 (hg19) VCF-style: chr11-36596427-C-T.
Other names: NM_000448.3(RAG1):c.1573C>T; p.Pro525Ser; c.1573C>T, p.Pro525Ser (NM_001377277.1, NM_001377278.1, NM_001377279.1 and 1 more transcripts); short protein forms P525S.
Identifiers: ClinVar variation 785784 (VCV000785784.12), dbSNP rs4151032, ClinGen allele CA5950156.

ClinVar aggregate classification (germline): Benign. Review status: reviewed by expert panel (3 of 4 stars). 3 submissions from 3 submitters: Benign (1). 2 of the submissions do not count toward it. Last evaluated 2024-01-23.

Conditions:
Severe combined immunodeficiency, autosomal recessive, T cell-negative, B cell-negative, NK cell-positive. Also called: Severe combined immunodeficiency due to complete RAG1/2 deficiency; SCID, T CELL-NEGATIVE, B CELL-NEGATIVE, NK CELL-POSITIVE; SCID, AR, T-cell negative, B-cell negative, NK cell-positive. Identifiers: Orphanet 331206, MedGen C1832322, MONDO:0011086, OMIM 601457.
Combined immunodeficiency with skin granulomas. Identifiers: Orphanet 157949, MedGen C2673536, MONDO:0009306, OMIM 233650.
Recombinase activating gene 1 deficiency. Identifiers: MedGen CN375631, MONDO:0000572.

Allele frequency attached by ClinVar (database versions not stated): gnomAD 0.00017 and 0.00070; TOPMed 0.00029; gnomAD exomes 0.00117 and 0.00237; ExAC 0.00273; 1000 Genomes Project 30x 0.00375; 1000 Genomes Project 0.00399.
gnomAD v4.1: 1,818 of 1,614,238 alleles (0.11%); highest among the groups gnomAD compares: South Asian, 1.7%; 24 homozygotes.

Submissions (3):

ClinGen Severe Combined Immunodeficiency Variant Curation Expert Panel, ClinGen
Classification: Benign for Recombinase activating gene 1 deficiency. Last evaluated: 2024-01-23. Review status: reviewed by expert panel. Criteria: ClinGen SCID ACMG Specifications RAG1 V1.0.0. Collection method: curation. Allele origin: germline. Inheritance: Autosomal recessive inheritance.
Comment: The NM_000448.3:c.1573C>T variant in RAG1 is a missense variant predicted to cause the substitution of Proline by Serine at amino acid 525 (p.Pro525Ser). The filtering allele frequency (the lower threshold of the 95% CI of 1571/91080) of the c.1573C>T variant in RAG1 is 0.01663 for South Asian chromosomes by gnomAD v.4, which is higher than the ClinGen SCID VCEP threshold (>0.00872) for BA1, and therefore meets this criterion (BA1). Additionally, 24 homozygous adults are reported on gnomAD v.4, BS2_Supporting is Met. In summary, this variant meets the criteria to be classified as Benign for autosomal recessive SCID, based on the ACMG/AMP criteria applied, as specified by the ClinGen SCID-VCEP: BA1 and BS2_Supporting. (VCEP specifications version 1).

Labcorp Genetics (formerly Invitae), Labcorp
Classification: Benign for Combined immunodeficiency with skin granulomas; Severe combined immunodeficiency, autosomal recessive, T cell-negative, B cell-negative, NK cell-positive. Last evaluated: 2026-02-04. Review status: criteria provided, single submitter. Criteria: Invitae Variant Classification Sherloc (09022015). Collection method: clinical testing. Allele origin: germline. Not counted in ClinVar's aggregate classification.

Breakthrough Genomics
Classification: Benign. Review status: criteria provided, single submitter. Criteria: ACMG Guidelines, 2015. Collection method: not provided. Allele origin: germline. Inheritance: Autosomal recessive inheritance. Affected: yes. Not counted in ClinVar's aggregate classification.